The following is an entry in ClinVar:

ClinVar aggregate classification (germline): Uncertain significance (1 of 4 stars; one submission).

gnomAD v4.1: 8 of 1,614,206 alleles (0.0005%); highest among the groups gnomAD compares: South Asian, 0.0022%; no homozygotes.

Submission:

Women's Health and Genetics/Laboratory Corporation of America, LabCorp
Classification: Uncertain significance. Last evaluated: 2024-11-05. Review status: criteria provided, single submitter. Criteria: LabCorp Variant Classification Summary - May 2015. Collection method: clinical testing. Allele origin: germline.
Comment: Variant summary: LRP2 c.10651C>G (p.Arg3551Gly) results in a non-conservative amino acid change in the encoded protein sequence. Four of four in-silico tools predict a damaging effect of the variant on protein function. The variant was absent in 251304 control chromosomes. The available data on variant occurrences in the general population are insufficient to allow any conclusion about variant significance. c.10651C>G has been reported in the literature in two siblings affected with Donnai Barrow Syndrome (Gritti_2023). These report(s) do not provide unequivocal conclusions about association of the variant with Donnai Barrow Syndrome. To our knowledge, no experimental evidence demonstrating an impact on protein function has been reported. The following publication has been ascertained in the context of this evaluation (PMID: 37592754). No submitters have cited clinical-significance assessments for this variant to ClinVar. Based on the evidence outlined above, the variant was classified as uncertain significance.

Literature cited by the submitters: PubMed 37592754.

NM_004525.3(LRP2):c.10651C>G (p.Arg3551Gly)

Gene: LRP2 (LDL receptor related protein 2; minus strand). Cytogenetic location: 2q31.1.
Variant type: single nucleotide variant.
Coding change: c.10651C>G on transcript NM_004525.3 (MANE Select); coding-DNA position 10651, C replaced by G.
Protein change: p.Arg3551Gly; replaces arginine 3551 with glycine.
Molecular consequence: missense variant.
Genome position (GRCh38, 1-based): chr2:169,175,310, G>C on the plus strand (C>G on the coding strand, the complement: LRP2 is on the minus strand). VCF-style: chr2-169175310-G-C. GRCh37 (hg19) VCF-style: chr2-170031820-G-C.
Other names: short protein forms R3551G.
Identifiers: ClinVar variation 3629817 (VCV003629817.1).